The following is an entry in ClinVar:

NC_012920.1(MT-CO1):m.6366G>A

Gene: MT-CO1 (mitochondrially encoded cytochrome c oxidase I; plus strand).
Variant type: single nucleotide variant.
Genome position: chrM-6366-G-A.
Identifiers: ClinVar variation 692644 (VCV000692644.1), dbSNP rs370673798, ClinGen allele CA337097384.

ClinVar aggregate classification (germline): Benign (1 of 4 stars; one submission).

Conditions:
Leigh syndrome (NULS). Also called: Leigh's necrotizing encephalopathy; Leigh's disease; Leigh Syndrome (mtDNA deletion); Leigh Disease; Subacute necrotizing encephalopathy; Necrotizing encephalopathy infantile subacute of Leigh. Identifiers: Orphanet 506, MedGen C2931891, MONDO:0009723, OMIM 256000.

Submission:

Wong Mito Lab, Molecular and Human Genetics, Baylor College of Medicine
Classification: Benign for Leigh syndrome. Last evaluated: 2019-10-17. Review status: criteria provided, single submitter. Criteria: Modified ACMG Guidelines (Unpublished). Collection method: clinical testing. Allele origin: germline.
Comment: The NC_012920.1:m.6366G>A (YP_003024028.1:p.Val155Ile) variant in MTCO1 gene is interpretated to be a Benign variant based on the modified ACMG guidelines (unpublished). This variant meets the following evidence codes: BS1, BS4, BP4